The following is an entry in ClinVar:

ClinVar aggregate classification (germline): Pathogenic (1 of 4 stars; one submission).

Conditions:
Inborn genetic diseases. Identifiers: MedGen C0950123, MeSH D030342.

Submission:

Ambry Genetics
Classification: Pathogenic for Inborn genetic diseases. Last evaluated: 2014-08-28. Review status: criteria provided, single submitter. Criteria: Ambry Variant Classification Scheme 2023. Collection method: clinical testing. Allele origin: germline.
Comment: The c.546_549delTGTG (also known as p.V183Cfs*3) pathogenic mutation, located in coding exon 4 of the DLG3 gene, results from a deletion of 4 nucleotides between nucleotide positions 546 and 549, causing a translational frameshift with a predicted alternate stop codon. Since frameshifts are typically deleterious in nature, this alteration is interpreted as a disease-causing mutation (ACMG Recommendations for Standards for Interpretation and Reporting of Sequence Variations. Revision 2007. Genet Med. 2008;10:294).

NM_021120.4(DLG3):c.546_549del (p.Val183fs)

Gene: DLG3 (discs large MAGUK scaffold protein 3; plus strand). Cytogenetic location: Xq13.1.
Variant type: Microsatellite.
Coding change: c.546_549del on transcript NM_021120.4 (MANE Select); coding-DNA positions 546 to 549, 4 bases deleted (TGTG; older notation c.546_549delTGTG).
Protein change: p.Val183fs; shifts the reading frame from valine 183.
Molecular consequence: frameshift variant.
Genome position (GRCh38, 1-based): chrX:70,449,702-70,449,705, TGTG deleted; deleting any 4 consecutive bases within chrX:70,449,700-70,449,705 gives the same sequence; the c. name uses the placement nearest the transcript's 3' end. VCF-style (leftmost placement, unchanged base first): chrX-70449699-CTGTG-C. GRCh37 (hg19) VCF-style: chrX-69669549-CTGTG-C.
Other names: short protein forms V183fs.
Identifiers: ClinVar variation 1747664 (VCV001747664.2), dbSNP rs2519730848, ClinGen allele CA2580612343.